The following is an entry in ClinVar:

NM_001354604.2(MITF):c.925G>A (p.Glu309Lys)

Gene: MITF (melanocyte inducing transcription factor; plus strand). Cytogenetic location: 3p13.
Variant type: single nucleotide variant.
Coding change: c.925G>A on transcript NM_001354604.2 (MANE Select); coding-DNA position 925, G replaced by A.
Protein change: p.Glu309Lys; replaces glutamic acid 309 with lysine.
Molecular consequence: missense variant.
Genome position (GRCh38, 1-based): chr3:69,951,856, G>A. VCF-style: chr3-69951856-G-A. GRCh37 (hg19) VCF-style: chr3-70001007-G-A.
Other names: c.604G>A, p.Glu202Lys (NM_000248.4); c.751G>A, p.Glu251Lys (NM_001184967.2, NM_001354608.2); c.922G>A, p.Glu308Lys (NM_001354605.2); c.904G>A, p.Glu302Lys (NM_001354606.2, NM_006722.3); c.856G>A, p.Glu286Lys (NM_001354607.2); c.586G>A, p.Glu196Lys (NM_198158.3); c.907G>A, p.Glu303Lys (NM_198159.3); c.859G>A, p.Glu287Lys (NM_198177.3); and 2 more; short protein forms E202K, E303K, E140K, E196K, E251K, E287K, E308K, E309K.
Identifiers: ClinVar variation 545452 (VCV000545452.2), dbSNP rs1553704086, ClinGen allele CA353561600.
Genomic context (GRCh38, chr3:69,951,856, plus strand): 5'-TCATTCACGTGCACAGCGTGTATTTTTCCCACAGAGTCTGAAGCAAGAGCACTGGCCAAA[G>A]AGAGGCAGAAAAAGGACAATCACAACCTGAGTAAGTTGGTTTTATTTATGTTCATGACAT-3'
Protein context (NP_001341533.1, residues 299-319): TESEARALAK[Glu309Lys]RQKKDNHNLI

ClinVar aggregate classification (germline): Likely pathogenic. Review status: criteria provided, multiple submitters, no conflicts (2 of 4 stars). 2 submissions from 2 submitters: Likely pathogenic (2). Last evaluated 2023-07-17.

Conditions:
Tietz syndrome (TADS). Also called: TIETZ ALBINISM-DEAFNESS SYNDROME; ALBINISM-DEAFNESS OF TIETZ; HYPOPIGMENTATION/DEAFNESS OF TIETZ. Identifiers: Orphanet 42665, MedGen C0391816, MONDO:0007077, OMIM 103500.
Waardenburg syndrome type 2A (WS2A). Also called: WAARDENBURG SYNDROME WITHOUT DYSTOPIA CANTHORUM. Identifiers: Orphanet 3440, MedGen C1860339, MONDO:0008671, OMIM 193510.

Submissions (2):

Victorian Clinical Genetics Services, Murdoch Childrens Research Institute
Classification: Likely pathogenic for Waardenburg syndrome type 2A. Last evaluated: 2023-07-17. Review status: criteria provided, single submitter. Criteria: ACMG Guidelines, 2015. Collection method: clinical testing. Allele origin: germline. Inheritance: Autosomal dominant inheritance. Affected: yes.
Comment: Based on the classification scheme VCGS_Germline_v1.3.4, this variant is classified as Likely pathogenic. Following criteria are met: 0102 - Loss of function is a known mechanism of disease in this gene and is associated with COMMAD syndrome (MIM#617306), Tietz albinism-deafness syndrome (MIM#103500), Waardenburg syndrome type 2A (MIM#193510), Waardenburg syndrome/ocular albinism, digenic (MIM#103470). Dominant negative has also been reported as a likely disease causing mechanism (PMID: 27889061). (I) 0108 - This gene is associated with both recessive and dominant disease (OMIM). (I) 0115 - Variants in this gene are known to have variable expressivity (PMID: 27759048). (I) 0200 - Variant is predicted to result in a missense amino acid change from glutamic acid to lysine. (I) 0251 - This variant is heterozygous. (I) 0301 - Variant is absent from gnomAD (both v2 and v3). (SP) 0309 - An alternative amino acid change at the same position has been observed in gnomAD (v3) (1 heterozygote, 0 homozygotes). (I) 0501 - Missense variant consistently predicted to be damaging by multiple in silico tools or highly conserved with a major amino acid change. (SP) 0602 - Variant is located in a hotspot region or cluster of pathogenic variants (DECIPHER). (SP) 0705 - No comparable missense variants have previous evidence for pathogenicity. (I) 0803 - This variant has limited previous evidence of pathogenicity in an unrelated individual. This variant has been classified as likely pathogenic by a clinical laboratory in ClinVar. (SP) 0906 - Segregation evidence for this variant is inconclusive. However, there is not enough segregation in this family to meet our criteria to consider this as pathogenic evidence. (I) 1007 - No published functional evidence has been identified for this variant. (I) 1208 - Inheritance information for this variant is not currently available in this individual. (I) Legend: (SP) - Supporting pathogenic, (I) - Information, (SB) - Supporting benign

Equipe Genetique des Anomalies du Developpement, Université de Bourgogne
Classification: Likely pathogenic for Tietz syndrome; Waardenburg syndrome type 2A. Last evaluated: 2017-06-01. Review status: criteria provided, single submitter. Criteria: ACMG Guidelines, 2015. Collection method: clinical testing. Allele origin: inherited. Affected: yes. Observed: 3 variant alleles, 3 heterozygotes.

Literature cited by the submitters: PubMed 27759048 (cited by Victorian Clinical Genetics Services, Murdoch Childrens Research Institute); PubMed 27889061 (cited by Victorian Clinical Genetics Services, Murdoch Childrens Research Institute).